The following is an entry in ClinVar:

NM_000264.5(PTCH1):c.1503G>A (p.Gln501=)

Gene: PTCH1 (patched 1; minus strand). Cytogenetic location: 9q22.32.
Variant type: single nucleotide variant.
Coding change: c.1503G>A on transcript NM_000264.5 (MANE Select); coding-DNA position 1503, G replaced by A.
Protein change: p.Gln501=; no amino-acid change (glutamine 501 retained).
Molecular consequence: synonymous variant. On other transcripts: non-coding transcript variant (1), intron variant (1).
Genome position (GRCh38, 1-based): chr9:95,477,547, C>T on the plus strand (G>A on the coding strand, the complement: PTCH1 is on the minus strand). VCF-style: chr9-95477547-C-T. GRCh37 (hg19) VCF-style: chr9-98239829-C-T.
Other names: c.1305G>A, p.Gln435= (NM_001083602.3); c.1500G>A, p.Gln500= (NM_001083603.3); c.1050G>A, p.Gln350= (NM_001083604.3, NM_001083605.3, NM_001083606.3 and 1 more transcripts); c.1347+508G>A (NM_001354918.2).
Identifiers: ClinVar variation 426225 (VCV000426225.7), dbSNP rs1085307511, ClinGen allele CA466120228.

ClinVar aggregate classification (germline): Conflicting classifications of pathogenicity. Review status: criteria provided, conflicting classifications (1 of 4 stars). 2 submissions from 2 submitters: Likely pathogenic (1); Uncertain significance (1). Last evaluated 2023-07-10.

Conditions:
Gorlin syndrome. Also called: Basal cell nevus syndrome; Nevoid Basal Cell Carcinoma Syndrome. Identifiers: Orphanet 377, MedGen C0004779, MONDO:0007187.

Submissions (2):

Labcorp Genetics (formerly Invitae), Labcorp
Classification: Uncertain significance for Gorlin syndrome. Last evaluated: 2023-07-10. Review status: criteria provided, single submitter. Criteria: Invitae Variant Classification Sherloc (09022015). Collection method: clinical testing. Allele origin: germline.
Comment: Variants that disrupt the consensus splice site are a relatively common cause of aberrant splicing (PMID: 17576681, 9536098). Algorithms developed to predict the effect of sequence changes on RNA splicing suggest that this variant may disrupt the consensus splice site. ClinVar contains an entry for this variant (Variation ID: 426225). This variant has been observed in individual(s) with clinical features of nevoid basal cell carcinoma syndrome (PMID: 16301862). This variant is not present in population databases (gnomAD no frequency). This sequence change affects codon 501 of the PTCH1 mRNA. It is a 'silent' change, meaning that it does not change the encoded amino acid sequence of the PTCH1 protein. This variant also falls at the last nucleotide of exon 10, which is part of the consensus splice site for this exon. In summary, the available evidence is currently insufficient to determine the role of this variant in disease. Therefore, it has been classified as a Variant of Uncertain Significance.

GeneDx
Classification: Likely pathogenic. Last evaluated: 2017-04-25. Review status: criteria provided, single submitter. Criteria: GeneDx Variant Classification (06012015). Collection method: clinical testing. Allele origin: germline. Affected: yes.
Comment: The c.1503G>A variant in the PTCH1 gene has been previously reported in at least one individual pursuing genetic testing for Gorlin syndrome (Klein et al., 2005). Several in silico splice prediction models predict that c.1503G>A destroys the natural splice donor site in intron 10, and is expected to cause abnormal gene splicing. However, in the absence of RNA/functional studies, the actual effect of this sequence change is unknown. Based on currently available evidence, c.1503G>A is a strong candidate for a pathogenic variant. However, the possibility it is a rare benign variant cannot be excluded.

Literature cited by the submitters: PubMed 17576681 (cited by Labcorp Genetics (formerly Invitae), Labcorp); PubMed 9536098 (cited by Labcorp Genetics (formerly Invitae), Labcorp); PubMed 16301862 (cited by Labcorp Genetics (formerly Invitae), Labcorp).